The following is an entry in ClinVar:

NM_013276.4(SHPK):c.1025G>A (p.Gly342Asp)

Gene: SHPK (sedoheptulokinase; minus strand). Cytogenetic location: 17p13.2.
Variant type: single nucleotide variant.
Coding change: c.1025G>A on transcript NM_013276.4 (MANE Select); coding-DNA position 1025, G replaced by A.
Protein change: p.Gly342Asp; replaces glycine 342 with aspartic acid.
Molecular consequence: missense variant.
Genome position (GRCh38, 1-based): chr17:3,610,972, C>T on the plus strand (G>A on the coding strand, the complement: SHPK is on the minus strand). VCF-style: chr17-3610972-C-T. GRCh37 (hg19) VCF-style: chr17-3514266-C-T.
Other names: short protein forms G342D.
Identifiers: ClinVar variation 1721246 (VCV001721246.5), dbSNP rs1284467575, ClinGen allele CA397699101.
Genomic context (GRCh38, chr17:3,610,972, plus strand): 5'-CTCTGCTGCACAGCTGCCTGAATCATGCGTGAATACACAGTGGATTCTTCAACCTCCAGG[C>T]CTGCCAGAGACAGAGAAGATCTGTGTAAGCTCATGCGTCCCCCTCAGTGCAGGCTGACAT-3'
Protein context (NP_037408.2, residues 332-352): HMLVQWMADL[Gly342Asp]LEVEESTVYS

ClinVar aggregate classification (germline): Uncertain significance (1 of 4 stars; one submission).

gnomAD v4.1: 1 of 1,600,926 alleles (0.000062%); highest among the groups gnomAD compares: Non-Finnish European, 0.000085%; no homozygotes.

Submission:

Labcorp Genetics (formerly Invitae), Labcorp
Classification: Uncertain significance. Last evaluated: 2022-09-15. Review status: criteria provided, single submitter. Criteria: Invitae Variant Classification Sherloc (09022015). Collection method: clinical testing. Allele origin: germline.
Comment: This variant is not present in population databases (gnomAD no frequency). This sequence change replaces glycine, which is neutral and non-polar, with aspartic acid, which is acidic and polar, at codon 342 of the SHPK protein (p.Gly342Asp). This variant has not been reported in the literature in individuals affected with SHPK-related conditions. Algorithms developed to predict the effect of missense changes on protein structure and function are either unavailable or do not agree on the potential impact of this missense change (SIFT: "Tolerated"; PolyPhen-2: "Probably Damaging"; Align-GVGD: "Class C0"). In summary, the available evidence is currently insufficient to determine the role of this variant in disease. Therefore, it has been classified as a Variant of Uncertain Significance.